The following is an entry in ClinVar:

ClinVar aggregate classification (germline): Uncertain significance (1 of 4 stars; one submission).

Allele frequency attached by ClinVar (database versions not stated): TOPMed below 0.00001; gnomAD 0.00001; gnomAD exomes 0.00001.

Submission:

Women's Health and Genetics/Laboratory Corporation of America, LabCorp
Classification: Uncertain significance. Last evaluated: 2024-03-28. Review status: criteria provided, single submitter. Criteria: LabCorp Variant Classification Summary - May 2015. Collection method: clinical testing. Allele origin: germline.
Comment: Variant summary: SLC35B2 c.665_666delCT (p.Pro222ArgfsX60) results in a premature termination codon, predicted to cause a truncation of the encoded protein; however, current evidence is not sufficient to establish loss-of-function variants in SLC35B2 as causative of disease. The variant was absent in 251374 control chromosomes. The available data on variant occurrences in the general population are insufficient to allow any conclusion about variant significance. To our knowledge, no occurrence of c.665_666delCT in individuals affected with Leukodystrophy, Hypomyelinating, 26, With Chondrodysplasia and no experimental evidence demonstrating its impact on protein function have been reported. No submitters have cited clinical-significance assessments for this variant to ClinVar. Based on the evidence outlined above, the variant was classified as uncertain significance.

NM_178148.4(SLC35B2):c.665_666del (p.Pro222fs)

Gene: SLC35B2 (solute carrier family 35 member B2; minus strand). Cytogenetic location: 6p21.1.
Variant type: Deletion.
Coding change: c.665_666del on transcript NM_178148.4 (MANE Select); coding-DNA positions 665 to 666, 2 bases deleted (CT; older notation c.665_666delCT).
Protein change: p.Pro222fs; shifts the reading frame from proline 222.
Molecular consequence: frameshift variant.
Genome position (GRCh38, 1-based): chr6:44,255,339-44,255,340, AG deleted on the plus strand (CT on the coding strand, the reverse complement: SLC35B2 is on the minus strand). VCF-style (leftmost placement, unchanged base first): chr6-44255338-CAG-C. GRCh37 (hg19) VCF-style: chr6-44223075-CAG-C.
Other names: c.665_666delCT (NM_178148.4); c.650_651del, p.Pro217fs (NM_001286509.2, NM_001286510.2); c.518_519del, p.Pro173fs (NM_001286511.2, NM_001286512.2); c.386_387del, p.Pro129fs (NM_001286513.2); c.350_351del, p.Pro117fs (NM_001286517.2); c.266_267del, p.Pro89fs (NM_001286519.2, NM_001286520.2); short protein forms P117fs, P129fs, P173fs, P217fs, P222fs, P89fs.
Identifiers: ClinVar variation 3233721 (VCV003233721.1), dbSNP rs1290339328, ClinGen allele CA567154355.